The following is an entry in ClinVar:

NM_006231.4(POLE):c.3588G>A (p.Thr1196=)

Gene: POLE (DNA polymerase epsilon, catalytic subunit; minus strand). Cytogenetic location: 12q24.33.
Variant type: single nucleotide variant.
Coding change: c.3588G>A on transcript NM_006231.4 (MANE Select); coding-DNA position 3588, G replaced by A.
Protein change: p.Thr1196=; no amino-acid change (threonine 1196 retained).
Molecular consequence: synonymous variant.
Genome position (GRCh38, 1-based): chr12:132,649,884, C>T on the plus strand (G>A on the coding strand, the complement: POLE is on the minus strand). VCF-style: chr12-132649884-C-T. GRCh37 (hg19) VCF-style: chr12-133226470-C-T.
Identifiers: ClinVar variation 473605 (VCV000473605.28), dbSNP rs771747587, ClinGen allele CA6893162.

ClinVar aggregate classification (germline): Likely benign. Review status: criteria provided, multiple submitters, no conflicts (2 of 4 stars). 5 submissions from 5 submitters: Likely benign (5). Last evaluated 2025-09-16.

Conditions:
Hereditary cancer-predisposing syndrome. Also called: Hereditary neoplastic syndrome; Tumor predisposition; Neoplastic Syndromes, Hereditary; Hereditary Cancer Syndrome. Identifiers: Orphanet 140162, MedGen C0027672, MeSH D009386, MONDO:0015356.

Allele frequency attached by ClinVar (database versions not stated): gnomAD exomes below 0.00001 and 0.00001; ExAC 0.00001; gnomAD 0.00001; TOPMed 0.00001.

Submissions (5):

Labcorp Genetics (formerly Invitae), Labcorp
Classification: Likely benign. Last evaluated: 2025-09-16. Review status: criteria provided, single submitter. Criteria: Invitae Variant Classification Sherloc (09022015). Collection method: clinical testing. Allele origin: germline.

Center for Genomic Medicine, Rigshospitalet, Copenhagen University Hospital
Classification: Likely benign. Last evaluated: 2025-03-04. Review status: criteria provided, single submitter. Criteria: ACMG Guidelines, 2015. Collection method: clinical testing. Allele origin: germline.

CeGaT Center for Human Genetics Tuebingen
Classification: Likely benign. Last evaluated: 2024-12-01. Review status: criteria provided, single submitter. Criteria: CeGaT Center For Human Genetics Tuebingen Variant Classification Criteria Version 2. Collection method: clinical testing. Allele origin: germline. Affected: yes. Observed: 1 variant allele.
Comment: POLE: BP4, BP7

Ambry Genetics
Classification: Likely benign for Hereditary cancer-predisposing syndrome. Last evaluated: 2019-04-19. Review status: criteria provided, single submitter. Criteria: Ambry Variant Classification Scheme 2023. Collection method: clinical testing. Allele origin: germline.

GeneDx
Classification: Likely benign. Last evaluated: 2017-07-21. Review status: criteria provided, single submitter. Criteria: GeneDx Variant Classification (06012015). Collection method: clinical testing. Allele origin: germline. Affected: yes.
Comment: This variant is considered likely benign or benign based on one or more of the following criteria: it is a conservative change, it occurs at a poorly conserved position in the protein, it is predicted to be benign by multiple in silico algorithms, and/or has population frequency not consistent with disease.